The following is an entry in ClinVar:

ClinVar aggregate classification (germline): Uncertain significance (1 of 4 stars; one submission).

Allele frequency attached by ClinVar (database versions not stated): TOPMed below 0.00001.

Submission:

Labcorp Genetics (formerly Invitae), Labcorp
Classification: Uncertain significance. Last evaluated: 2024-06-17. Review status: criteria provided, single submitter. Criteria: Invitae Variant Classification Sherloc (09022015). Collection method: clinical testing. Allele origin: germline.
Comment: This sequence change affects codon 105 of the KLF10 mRNA. It is a 'silent' change, meaning that it does not change the encoded amino acid sequence of the KLF10 protein. This variant is not present in population databases (gnomAD no frequency). This variant has not been reported in the literature in individuals affected with KLF10-related conditions. Algorithms developed to predict the effect of sequence changes on RNA splicing suggest that this variant may create or strengthen a splice site. In summary, the available evidence is currently insufficient to determine the role of this variant in disease. Therefore, it has been classified as a Variant of Uncertain Significance.

NM_005655.4(KLF10):c.315A>G (p.Gln105=)

Gene: KLF10 (KLF transcription factor 10; minus strand). Cytogenetic location: 8q22.3.
Variant type: single nucleotide variant.
Coding change: c.315A>G on transcript NM_005655.4 (MANE Select); coding-DNA position 315, A replaced by G.
Protein change: p.Gln105=; no amino-acid change (glutamine 105 retained).
Molecular consequence: synonymous variant.
Genome position (GRCh38, 1-based): chr8:102,652,017, T>C on the plus strand (A>G on the coding strand, the complement: KLF10 is on the minus strand). VCF-style: chr8-102652017-T-C. GRCh37 (hg19) VCF-style: chr8-103664245-T-C.
Other names: c.282A>G, p.Gln94= (NM_001032282.4).
Identifiers: ClinVar variation 2880509 (VCV002880509.3), dbSNP rs1827226653, ClinGen allele CA462451029.
Genomic context (GRCh38, chr8:102,652,017, plus strand): 5'-AGTATCTGAGAGTGACTTGAAGTGTACAGTAGATGGCGCTGGTGCCATCAGATTTGACAC[T>C]TGAGAGGGTTCAAAGTCAGAAGGACTGTAAGGTGGAGTCAAACACTAAAGAAAAGGGAAA-3'
Protein context (NP_005646.1, residues 95-115): PYSPSDFEPS[Gln105=]VSNLMAPAPS